The following is an entry in ClinVar:

ClinVar aggregate classification (germline): Uncertain significance. Review status: criteria provided, single submitter (1 of 4 stars). 2 submissions from 2 submitters: Uncertain significance (1). 1 of the submissions does not count toward it. Last evaluated 2025-01-27.

Conditions:
IFT172-related disorder. Also called: IFT172-related condition; IFT172-related disorders.
Retinitis pigmentosa 71 (RP71). Identifiers: Orphanet 791, MedGen C4225342, MONDO:0014618, OMIM 616394.
Short-rib thoracic dysplasia 10 with or without polydactyly (SRTD10). Identifiers: Orphanet 474, MedGen C3810175, MONDO:0014284, OMIM 615630.

gnomAD v4.1: 6 of 1,614,076 alleles (0.00037%); highest among the groups gnomAD compares: Admixed American, 0.0033%; no homozygotes.

Submissions (2):

Labcorp Genetics (formerly Invitae), Labcorp
Classification: Uncertain significance for Retinitis pigmentosa 71; Short-rib thoracic dysplasia 10 with or without polydactyly. Last evaluated: 2025-01-27. Review status: criteria provided, single submitter. Criteria: Invitae Variant Classification Sherloc (09022015). Collection method: clinical testing. Allele origin: germline.
Comment: This sequence change replaces arginine, which is basic and polar, with glycine, which is neutral and non-polar, at codon 38 of the IFT172 protein (p.Arg38Gly). This variant is present in population databases (rs139021548, gnomAD 0.006%). This variant has not been reported in the literature in individuals affected with IFT172-related conditions. ClinVar contains an entry for this variant (Variation ID: 2062404). Invitae Evidence Modeling of protein sequence and biophysical properties (such as structural, functional, and spatial information, amino acid conservation, physicochemical variation, residue mobility, and thermodynamic stability) has been performed for this missense variant. However, the output from this modeling did not meet the statistical confidence thresholds required to predict the impact of this variant on IFT172 protein function. In summary, the available evidence is currently insufficient to determine the role of this variant in disease. Therefore, it has been classified as a Variant of Uncertain Significance.

PreventionGenetics, part of Exact Sciences
Classification: Uncertain significance for IFT172-related condition. Last evaluated: 2024-08-08. Review status: no assertion criteria provided. Collection method: clinical testing. Allele origin: germline. Not counted in ClinVar's aggregate classification.
Comment: The IFT172 c.112C>G variant is predicted to result in the amino acid substitution p.Arg38Gly. To our knowledge, this variant has not been reported in the literature. This variant is reported in 0.0058% of alleles in individuals of Latino descent in gnomAD. At this time, the clinical significance of this variant is uncertain due to the absence of conclusive functional and genetic evidence.

NM_015662.3(IFT172):c.112C>G (p.Arg38Gly)

Gene: IFT172 (intraflagellar transport 172; minus strand). Cytogenetic location: 2p23.3.
Variant type: single nucleotide variant.
Coding change: c.112C>G on transcript NM_015662.3 (MANE Select); coding-DNA position 112, C replaced by G.
Protein change: p.Arg38Gly; replaces arginine 38 with glycine.
Molecular consequence: missense variant.
Genome position (GRCh38, 1-based): chr2:27,485,431, G>C on the plus strand (C>G on the coding strand, the complement: IFT172 is on the minus strand). VCF-style: chr2-27485431-G-C. GRCh37 (hg19) VCF-style: chr2-27708298-G-C.
Other names: c.112C>G, p.Arg38Gly (NM_001410739.1); c.112C>G (NM_015662.2); short protein forms R38G.
Identifiers: ClinVar variation 2062404 (VCV002062404.5), dbSNP rs139021548, ClinGen allele CA1581119.
Genomic context (GRCh38, chr2:27,485,431, plus strand): 5'-CTGGTTTGGTGGAGAATTTATCTCTCCGTTCTCCATGTTCATCATACAGCAAGACCACTC[G>C]GTCCACTGTGCAGACAGCAAATTTGGCATTGTTCTGGGACCAAGCCATGCAGGTCACCTT-3'
Protein context (NP_056477.1, residues 28-48): NAKFAVCTVD[Arg38Gly]VVLLYDEHGE